The following is an entry in ClinVar:

NM_002693.3(POLG):c.127_128insGGCAGCAGC (p.Arg42_Gln43insArgGlnGln)

Genes: POLG (DNA polymerase gamma, catalytic subunit; minus strand), POLGARF (POLG alternative reading frame; minus strand). Cytogenetic location: 15q26.1.
Variant type: Microsatellite.
Coding change: c.127_128insGGCAGCAGC on transcript NM_002693.3 (MANE Select); coding-DNA positions 127 to 128, GGCAGCAGC inserted.
Protein change: p.Arg42_Gln43insArgGlnGln.
Genome position: GRCh38 VCF-style: chr15-89333627-T-TGCTGCTGCC. GRCh37 (hg19) VCF-style: chr15-89876858-T-TGCTGCTGCC.
Other names: c.182_183insGGCAGCAGC, p.Ala71_Thr72insAlaAlaAla (NM_001430120.1); c.127_128insGGCAGCAGC, p.Arg42_Gln43insArgGlnGln (NM_001126131.2).
Identifiers: ClinVar variation 3688528 (VCV003688528.2).
Genomic context (GRCh38, chr15:89,333,627, plus strand): 5'-GATAGCACTTGCGGCTGCTGAGGCTGCTGTTGCTGCTGCTGCTGCTGCTGCTGCTGCTGC[T>TGCTGCTGCC]GCCGCCGCCGCTGCCCGTCGCTGGGGTCGGACGCGGGGACGGAGCTGGAGACCCAGCGCC-3'

ClinVar aggregate classification (germline): Uncertain significance (1 of 4 stars; one submission).

Conditions:
Progressive sclerosing poliodystrophy (MTDPS4A). Also called: ALPERS PROGRESSIVE INFANTILE POLIODYSTROPHY; NEURONAL DEGENERATION OF CHILDHOOD WITH LIVER DISEASE, PROGRESSIVE; Alpers Syndrome; ALPERS DIFFUSE DEGENERATION OF CEREBRAL GRAY MATTER WITH HEPATIC CIRRHOSIS; Alpers-Huttenlocher Syndrome; Mitochondrial DNA depletion syndrome 4A (Alpers type). Identifiers: Orphanet 726, MedGen C0205710, MONDO:0008758, OMIM 203700.

Submission:

Labcorp Genetics (formerly Invitae), Labcorp
Classification: Uncertain significance for Progressive sclerosing poliodystrophy. Last evaluated: 2025-03-16. Review status: criteria provided, single submitter. Criteria: Invitae Variant Classification Sherloc (09022015). Collection method: clinical testing. Allele origin: germline.
Comment: This variant, c.127_128insGGCAGCAGC, results in the insertion of 3 amino acid(s) of the POLG protein (p.Arg42_Gln43insArgGlnGln), but otherwise preserves the integrity of the reading frame. This variant is not present in population databases (gnomAD no frequency). This variant has not been reported in the literature in individuals affected with POLG-related conditions. In summary, the available evidence is currently insufficient to determine the role of this variant in disease. Therefore, it has been classified as a Variant of Uncertain Significance.